The following is an entry in ClinVar:

ClinVar aggregate classification (germline): Uncertain significance (1 of 4 stars; one submission).

Conditions:
Neutropenia, severe congenital, 1, autosomal dominant. Identifiers: MedGen C1859966, MONDO:0042490, OMIM 202700.
Cyclical neutropenia. Also called: Cyclic Neutropenia; Cyclic hematopoiesis. Identifiers: Orphanet 2686, MedGen C0221023, MONDO:0008090, OMIM 162800, HP:0040289. Disease mechanism: loss of function.

Submission:

Labcorp Genetics (formerly Invitae), Labcorp
Classification: Uncertain significance for Neutropenia, severe congenital, 1, autosomal dominant; Cyclical neutropenia. Last evaluated: 2021-10-25. Review status: criteria provided, single submitter. Criteria: Invitae Variant Classification Sherloc (09022015). Collection method: clinical testing. Allele origin: germline.
Comment: In summary, the available evidence is currently insufficient to determine the role of this variant in disease. Therefore, it has been classified as a Variant of Uncertain Significance. Algorithms developed to predict the effect of sequence changes on RNA splicing suggest that this variant may create or strengthen a splice site. Algorithms developed to predict the effect of missense changes on protein structure and function output the following: SIFT: "Tolerated"; PolyPhen-2: "Benign"; Align-GVGD: "Class C0". The serine amino acid residue is found in multiple mammalian species, which suggests that this missense change does not adversely affect protein function. This variant has not been reported in the literature in individuals affected with ELANE-related conditions. This variant is not present in population databases (ExAC no frequency). This sequence change replaces glycine with serine at codon 222 of the ELANE protein (p.Gly222Ser). The glycine residue is moderately conserved and there is a small physicochemical difference between glycine and serine.

NM_001972.4(ELANE):c.664G>A (p.Gly222Ser)

Gene: ELANE (elastase, neutrophil expressed; plus strand). Cytogenetic location: 19p13.3.
Variant type: single nucleotide variant.
Coding change: c.664G>A on transcript NM_001972.4 (MANE Select); coding-DNA position 664, G replaced by A.
Protein change: p.Gly222Ser; replaces glycine 222 with serine.
Molecular consequence: missense variant.
Genome position (GRCh38, 1-based): chr19:856,024, G>A. VCF-style: chr19-856024-G-A. GRCh37 (hg19) VCF-style: chr19-856024-G-A.
Other names: short protein forms G222S.
Identifiers: ClinVar variation 1484956 (VCV001484956.6), dbSNP rs2145149692, ClinGen allele CA402919073.
Genomic context (GRCh38, chr19:856,024, plus strand): 5'-TCCGGCAGCCCCTTGGTCTGCAACGGGCTAATCCACGGAATTGCCTCCTTCGTCCGGGGA[G>A]GCTGCGCCTCAGGGCTCTACCCCGATGCCTTTGCCCCGGTGGCACAGTTTGTAAACTGGA-3'
Protein context (NP_001963.1, residues 212-232): IHGIASFVRG[Gly222Ser]CASGLYPDAF